The following is an entry in ClinVar:

ClinVar aggregate classification (germline): Uncertain significance (3 of 4 stars; one submission).

Conditions:
ABCA4-related retinopathy. Also called: ABCA4-related retinoapthy; ABCA4 retinoapthy. Identifiers: MedGen CN322612, MONDO:0800406.

gnomAD v4.1: 1 of 1,614,054 alleles (0.000062%); highest among the groups gnomAD compares: Non-Finnish European, 0.000085%; no homozygotes.

Submission:

ClinGen ABCA4 Variant Curation Expert Panel, Clingen
Classification: Uncertain significance for ABCA4-related retinopathy. Last evaluated: 2026-05-05. Review status: reviewed by expert panel. Criteria: ClinGen ABCA4 ACMG Specifications V1.0.0. Collection method: curation. Allele origin: germline. Inheritance: Autosomal recessive inheritance.
Comment: The NM_000350.3(ABCA4):c.83A>C variant in ABCA4 is a missense variant predicted to cause substitution of glutamine by cysteine at amino acid 28 (p.Glu28Ala). The total minor allele frequency in gnomAD v4.1.0 is 0.0000006196 (1/1614054 alleles), which is lower than the ClinGen ABCA4 VCEP’s threshold for disease (<0.0001), meeting PM2_Supporting. There is at least one patient with this variant with clinical features; however, this variant was found to be in cis with another non-benign variant (ABCA4 c.1610G>A) so PP4 nor PM3 was applied (PMID: 37774808). In summary, this variant meets the criteria to be classified as variant of uncertain significance for ABCA4-related retinopathy based on the ACMG/AMP criteria applied, as specified by the ClinGen ABCA4 VCEP (Specification Version 1): PM2_Supporting.

NM_000350.3(ABCA4):c.83A>C (p.Glu28Ala)

Gene: ABCA4 (ATP binding cassette subfamily A member 4; minus strand). Cytogenetic location: 1p22.1.
Variant type: single nucleotide variant.
Coding change: c.83A>C on transcript NM_000350.3 (MANE Select); coding-DNA position 83, A replaced by C.
Protein change: p.Glu28Ala; replaces glutamic acid 28 with alanine.
Molecular consequence: missense variant.
Genome position (GRCh38, 1-based): chr1:94,113,050, T>G on the plus strand (A>C on the coding strand, the complement: ABCA4 is on the minus strand). VCF-style: chr1-94113050-T-G. GRCh37 (hg19) VCF-style: chr1-94578606-T-G.
Other names: NM_000350.3:c.83A>C; c.83A>C, p.Glu28Ala (NM_001425324.1); short protein forms E28A.
Identifiers: ClinVar variation 4879986 (VCV004879986.1).
Genomic context (GRCh38, chr1:94,113,050, plus strand): 5'-AGTGGGTTGGCATTCCTTAACCAGATCAAGACCAGAAATAAAGATAAAGGCCACACGAGT[T>G]CCACCACAAAGCGAATCTGGAAAAACAAAACAAAAAGAGAGAAAGTTCAGTGGTGCTAAG-3'
Protein context (NP_000341.2, residues 18-38): RKRQKIRFVV[Glu28Ala]LVWPLSLFLV